The following is an entry in ClinVar:

ClinVar aggregate classification (germline): Likely pathogenic (1 of 4 stars; one submission).

Conditions:
Familial prostate cancer. Also called: Hereditary Prostate Cancer. Identifiers: MedGen C2931456, MONDO:0700275, OMIM 176807.
Bone osteosarcoma. Also called: Osteosarcoma, somatic. Identifiers: Orphanet 668, MedGen C0585442, MONDO:0002629, OMIM 259500.
CHEK2-related cancer predisposition (TPDS4). Also called: TUMOR PREDISPOSITION SYNDROME 4; CANCER PREDISPOSITION SYNDROME, CHEK2-RELATED; CHEK2-related cancer susceptibility. Identifiers: Orphanet 524, MedGen C5882668, MONDO:0700271, OMIM 609265.

Submission:

Juno Genomics, Hangzhou Juno Genomics, Inc
Classification: Likely pathogenic for Bone osteosarcoma; Familial prostate cancer; CHEK2-related cancer predisposition. Review status: criteria provided, single submitter. Criteria: ACMG Guidelines, 2015. Collection method: clinical testing. Allele origin: germline.
Comment: Absent from controls (or at extremely low frequency if recessive) in Genome Aggregation Database.;Null variant in a gene where loss of function (LOF) is a known mechanism of disease.

NM_007194.4(CHEK2):c.104_107del (p.Ser35fs)

Gene: CHEK2 (checkpoint kinase 2; minus strand). Cytogenetic location: 22q12.1.
Variant type: Deletion.
Coding change: c.104_107del on transcript NM_007194.4 (MANE Select); coding-DNA positions 104 to 107, 4 bases deleted (CCCA; older notation c.104_107delCCCA).
Protein change: p.Ser35fs; shifts the reading frame from serine 35.
Molecular consequence: frameshift variant. On other transcripts: 5 prime UTR variant (1), intron variant (1).
Genome position (GRCh38, 1-based): chr22:28,734,615-28,734,618, TGGG deleted on the plus strand (CCCA on the coding strand, the reverse complement: CHEK2 is on the minus strand). VCF-style (leftmost placement, unchanged base first): chr22-28734614-CTGGG-C. GRCh37 (hg19) VCF-style: chr22-29130602-CTGGG-C.
Other names: c.104_107del, p.Ser35fs (NM_001005735.3, NM_001349956.3, NM_001438293.1 and 3 more transcripts); c.-674_-671del (NM_001257387.3); c.-345+7151_-345+7154del (NM_001437942.1); short protein forms S35fs.
Identifiers: ClinVar variation 5019825 (VCV005019825.2).
Genomic context (GRCh38, chr22:28,734,614, plus strand): 5'-GCTGGAGTGAGAGGACTGGCTGGAGTTTGGCATCGTGCTGGTAGAGGAGCTGGATATGCC[CTGGG>C]ACTGTGAGGAGGAGCCTTGGGACTGGGTAACGCTGCCATGGGGCTGTGAACAGGCACTGC-3'